The following is an entry in ClinVar:

NM_006393.3(NEBL):c.361C>G (p.Gln121Glu)

Gene: NEBL (nebulette; minus strand). Cytogenetic location: 10p12.31.
Variant type: single nucleotide variant.
Coding change: c.361C>G on transcript NM_006393.3 (MANE Select); coding-DNA position 361, C replaced by G.
Protein change: p.Gln121Glu; replaces glutamine 121 with glutamic acid.
Molecular consequence: missense variant. On other transcripts: intron variant (9).
Genome position (GRCh38, 1-based): chr10:20,888,105, G>C on the plus strand (C>G on the coding strand, the complement: NEBL is on the minus strand). VCF-style: chr10-20888105-G-C. GRCh37 (hg19) VCF-style: chr10-21177034-G-C.
Other names: c.249+73567C>G (NM_001377327.1, NM_001377328.1, NM_001377326.1); c.357+73567C>G (NM_213569.2, NM_001173484.2, NM_001377322.1); c.300+73567C>G (NM_001377324.1); c.291+73567C>G (NM_001377325.1); c.309+73567C>G (NM_001377323.1); short protein forms Q121E.
Identifiers: ClinVar variation 5025469 (VCV005025469.1).

ClinVar aggregate classification (germline): Uncertain significance (1 of 4 stars; one submission).

Submission:

Ambry Genetics
Classification: Uncertain significance. Last evaluated: 2026-08-29. Review status: criteria provided, single submitter. Criteria: Ambry Variant Classification Scheme 2023. Collection method: clinical testing. Allele origin: germline.
Comment: The p.Q121E variant (also known as c.361C>G), located in coding exon 4 of the NEBL gene, results from a C to G substitution at nucleotide position 361. The glutamine at codon 121 is replaced by glutamic acid, an amino acid with highly similar properties. This amino acid position is conserved. In addition, the in silico prediction for this alteration is inconclusive. Based on the available evidence, the clinical significance of this variant remains unclear.